The following is an entry in ClinVar:

NM_001081.4(CUBN):c.1038G>A (p.Val346=)

Gene: CUBN (cubilin; minus strand). Cytogenetic location: 10p13.
Variant type: single nucleotide variant.
Coding change: c.1038G>A on transcript NM_001081.4 (MANE Select); coding-DNA position 1038, G replaced by A.
Protein change: p.Val346=; no amino-acid change (valine 346 retained).
Molecular consequence: synonymous variant.
Genome position (GRCh38, 1-based): chr10:17,109,713, C>T on the plus strand (G>A on the coding strand, the complement: CUBN is on the minus strand). VCF-style: chr10-17109713-C-T. GRCh37 (hg19) VCF-style: chr10-17151712-C-T.
Identifiers: ClinVar variation 4872104 (VCV004872104.2).

ClinVar aggregate classification (germline): Likely benign (1 of 4 stars; one submission).

gnomAD v4.1: 53 of 1,613,656 alleles (0.0033%); highest among the groups gnomAD compares: Non-Finnish European, 0.0045%; no homozygotes.

Submission:

CeGaT Center for Human Genetics Tuebingen
Classification: Likely benign. Last evaluated: 2026-05-01. Review status: criteria provided, single submitter. Criteria: CeGaT Center For Human Genetics Tuebingen Variant Classification Criteria Version 2. Collection method: clinical testing. Allele origin: germline. Affected: yes. Observed: 1 variant allele.
Comment: CUBN: BP4, BP7